The following is an entry in ClinVar:

ClinVar aggregate classification (germline): Conflicting classifications of pathogenicity. Review status: criteria provided, conflicting classifications (1 of 4 stars). 3 submissions from 3 submitters: Uncertain significance (1); Likely benign (1). 1 of the submissions does not count toward it. Last evaluated 2023-07-19.

Conditions:
Inborn genetic diseases. Identifiers: MedGen C0950123, MeSH D030342.
FREM1-related disorder. Also called: FREM1-Related Disorders; FREM1-related condition.

Allele frequency attached by ClinVar (database versions not stated): gnomAD exomes 0.00005; gnomAD 0.00008; TOPMed 0.00013; ExAC 0.00015; 1000 Genomes Project 30x 0.00016.
gnomAD v4.1: 95 of 1,609,294 alleles (0.0059%); highest among the groups gnomAD compares: Admixed American, 0.064%; no homozygotes.

Submissions (3):

Ambry Genetics
Classification: Likely benign for Inborn genetic diseases. Last evaluated: 2023-07-19. Review status: criteria provided, single submitter. Criteria: Ambry Variant Classification Scheme 2023. Collection method: clinical testing. Allele origin: germline.

Labcorp Genetics (formerly Invitae), Labcorp
Classification: Uncertain significance. Last evaluated: 2022-08-19. Review status: criteria provided, single submitter. Criteria: Invitae Variant Classification Sherloc (09022015). Collection method: clinical testing. Allele origin: germline.
Comment: In summary, the available evidence is currently insufficient to determine the role of this variant in disease. Therefore, it has been classified as a Variant of Uncertain Significance. Algorithms developed to predict the effect of missense changes on protein structure and function output the following: SIFT: "Tolerated"; PolyPhen-2: "Benign"; Align-GVGD: "Class C0". The glutamine amino acid residue is found in multiple mammalian species, which suggests that this missense change does not adversely affect protein function. This variant has not been reported in the literature in individuals affected with FREM1-related conditions. This variant is present in population databases (rs748464182, gnomAD 0.09%). This sequence change replaces arginine, which is basic and polar, with glutamine, which is neutral and polar, at codon 194 of the FREM1 protein (p.Arg194Gln).

PreventionGenetics, part of Exact Sciences
Classification: Uncertain significance for FREM1-related condition. Last evaluated: 2024-08-01. Review status: no assertion criteria provided. Collection method: clinical testing. Allele origin: germline. Not counted in ClinVar's aggregate classification.
Comment: The FREM1 c.581G>A variant is predicted to result in the amino acid substitution p.Arg194Gln. To our knowledge, this variant has not been reported in the literature. This variant is reported in 0.089% of alleles in individuals of Latino descent in gnomAD. At this time, the clinical significance of this variant is uncertain due to the absence of conclusive functional and genetic evidence.

NM_001379081.2(FREM1):c.581G>A (p.Arg194Gln)

Gene: FREM1 (FRAS1 related extracellular matrix 1; minus strand). Cytogenetic location: 9p22.3.
Variant type: single nucleotide variant.
Coding change: c.581G>A on transcript NM_001379081.2 (MANE Select); coding-DNA position 581, G replaced by A.
Protein change: p.Arg194Gln; replaces arginine 194 with glutamine.
Molecular consequence: missense variant. On other transcripts: non-coding transcript variant (4).
Genome position (GRCh38, 1-based): chr9:14,859,233, C>T on the plus strand (G>A on the coding strand, the complement: FREM1 is on the minus strand). VCF-style: chr9-14859233-C-T. GRCh37 (hg19) VCF-style: chr9-14859231-C-T.
Other names: c.581G>A, p.Arg194Gln (NM_001370060.1, NM_001370063.1, NM_001370065.1 and 1 more transcripts); c.581G>A (NM_144966.5); short protein forms R194Q.
Identifiers: ClinVar variation 2182300 (VCV002182300.5), dbSNP rs748464182, ClinGen allele CA4991530.
Genomic context (GRCh38, chr9:14,859,233, plus strand): 5'-GACATCATACGGGACTCTGGGAAAAAACTGTGTGGCTGATCTCCACGAGGTTCTTCTGGT[C>T]GAGGCTCCCCGAGAACCATCTGGCCATGGGCTGGCAGCCGAGTTCTCGCAGTGTCCAGGC-3'
Protein context (NP_001366010.1, residues 184-204): AHGQMVLGEP[Arg194Gln]PEEPRGDQPH